The following is an entry in ClinVar:

ClinVar aggregate classification (germline): Uncertain significance. Review status: criteria provided, multiple submitters, no conflicts (2 of 4 stars). 4 submissions from 4 submitters: Uncertain significance (3). 1 of the submissions does not count toward it. Last evaluated 2024-11-28.

Conditions:
Inborn genetic diseases. Identifiers: MedGen C0950123, MeSH D030342.
Cognitive impairment - coarse facies - heart defects - obesity - pulmonary involvement - short stature - skeletal dysplasia syndrome. Also called: COGNITIVE IMPAIRMENT, COARSE FACIES, HEART DEFECTS, OBESITY, PULMONARY INVOLVEMENT, SHORT STATURE, AND SKELETAL DYSPLASIA; AFF4-Related CHOPS Syndrome; Chops syndrome. Identifiers: Orphanet 444077, MedGen C4085597, MONDO:0014609, OMIM 616368.
AFF4-related disorder. Also called: AFF4-related condition.

Allele frequency attached by ClinVar (database versions not stated): gnomAD exomes 0.00001 and 0.00002; ExAC 0.00004; gnomAD 0.00004; TOPMed 0.00005; ESP Exome Variant Server 0.00008; 1000 Genomes Project 30x 0.00016; 1000 Genomes Project 0.00020.
gnomAD v4.1: 17 of 1,614,196 alleles (0.0011%); highest among the groups gnomAD compares: Middle Eastern, 0.017%; no homozygotes.

Submissions (4):

Labcorp Genetics (formerly Invitae), Labcorp
Classification: Uncertain significance for Cognitive impairment - coarse facies - heart defects - obesity - pulmonary involvement - short stature - skeletal dysplasia syndrome. Last evaluated: 2024-11-28. Review status: criteria provided, single submitter. Criteria: Invitae Variant Classification Sherloc (09022015). Collection method: clinical testing. Allele origin: germline.
Comment: This sequence change replaces arginine, which is basic and polar, with glutamine, which is neutral and polar, at codon 531 of the AFF4 protein (p.Arg531Gln). This variant is present in population databases (rs375065053, gnomAD 0.01%). This variant has not been reported in the literature in individuals affected with AFF4-related conditions. ClinVar contains an entry for this variant (Variation ID: 388167). Invitae Evidence Modeling of protein sequence and biophysical properties (such as structural, functional, and spatial information, amino acid conservation, physicochemical variation, residue mobility, and thermodynamic stability) indicates that this missense variant is not expected to disrupt AFF4 protein function with a negative predictive value of 80%. In summary, the available evidence is currently insufficient to determine the role of this variant in disease. Therefore, it has been classified as a Variant of Uncertain Significance.

Ambry Genetics
Classification: Uncertain significance for Inborn genetic diseases. Last evaluated: 2024-05-06. Review status: criteria provided, single submitter. Criteria: Ambry Variant Classification Scheme 2023. Collection method: clinical testing. Allele origin: germline.

GeneDx
Classification: Uncertain significance. Last evaluated: 2019-08-06. Review status: criteria provided, single submitter. Criteria: GeneDx Variant Classification Process June 2021. Collection method: clinical testing. Allele origin: germline. Affected: yes.
Comment: Has not been previously published as pathogenic or benign to our knowledge

PreventionGenetics, part of Exact Sciences
Classification: Uncertain significance for AFF4-related condition. Last evaluated: 2024-03-01. Review status: no assertion criteria provided. Collection method: clinical testing. Allele origin: germline. Not counted in ClinVar's aggregate classification.
Comment: The AFF4 c.1592G>A variant is predicted to result in the amino acid substitution p.Arg531Gln. To our knowledge, this variant has not been reported in the literature. This variant is reported in 0.013% of alleles in individuals of South Asian descent in gnomAD, which may be too common to be a primary cause of disease. Although we suspect that this variant may be benign, at this time, the clinical significance of this variant is uncertain due to the absence of conclusive functional and genetic evidence.

NM_014423.4(AFF4):c.1592G>A (p.Arg531Gln)

Gene: AFF4 (ALF transcription elongation factor 4; minus strand). Cytogenetic location: 5q31.1.
Variant type: single nucleotide variant.
Coding change: c.1592G>A on transcript NM_014423.4 (MANE Select); coding-DNA position 1592, G replaced by A.
Protein change: p.Arg531Gln; replaces arginine 531 with glutamine.
Molecular consequence: missense variant.
Genome position (GRCh38, 1-based): chr5:132,897,038, C>T on the plus strand (G>A on the coding strand, the complement: AFF4 is on the minus strand). VCF-style: chr5-132897038-C-T. GRCh37 (hg19) VCF-style: chr5-132232730-C-T.
Other names: short protein forms R531Q.
Identifiers: ClinVar variation 388167 (VCV000388167.10), dbSNP rs375065053, ClinGen allele CA3409061.